The following is an entry in ClinVar:

ClinVar aggregate classification (germline): Uncertain significance. Review status: criteria provided, multiple submitters, no conflicts (2 of 4 stars). 3 submissions from 3 submitters: Uncertain significance (3). Last evaluated 2025-06-16.

Conditions:
Inborn genetic diseases. Identifiers: MedGen C0950123, MeSH D030342.

Allele frequency attached by ClinVar (database versions not stated): gnomAD exomes below 0.00001 and 0.00001; ExAC 0.00001; gnomAD 0.00001.
gnomAD v4.1: 15 of 1,612,700 alleles (0.00093%); highest among the groups gnomAD compares: East Asian, 0.0022%; no homozygotes.

Submissions (3):

Ambry Genetics
Classification: Uncertain significance for Inborn genetic diseases. Last evaluated: 2025-06-16. Review status: criteria provided, single submitter. Criteria: Ambry Variant Classification Scheme 2023. Collection method: clinical testing. Allele origin: germline.

Labcorp Genetics (formerly Invitae), Labcorp
Classification: Uncertain significance. Last evaluated: 2024-08-02. Review status: criteria provided, single submitter. Criteria: Invitae Variant Classification Sherloc (09022015). Collection method: clinical testing. Allele origin: germline.
Comment: This sequence change replaces valine, which is neutral and non-polar, with isoleucine, which is neutral and non-polar, at codon 1282 of the ITPR1 protein (p.Val1282Ile). The frequency data for this variant in the population databases is considered unreliable, as metrics indicate poor data quality at this position in the gnomAD database. This variant has not been reported in the literature in individuals affected with ITPR1-related conditions. ClinVar contains an entry for this variant (Variation ID: 447587). Advanced modeling of protein sequence and biophysical properties (such as structural, functional, and spatial information, amino acid conservation, physicochemical variation, residue mobility, and thermodynamic stability) performed at Invitae indicates that this missense variant is not expected to disrupt ITPR1 protein function with a negative predictive value of 95%. In summary, the available evidence is currently insufficient to determine the role of this variant in disease. Therefore, it has been classified as a Variant of Uncertain Significance.

Athena Diagnostics
Classification: Uncertain significance. Last evaluated: 2016-08-12. Review status: criteria provided, single submitter. Criteria: Athena Diagnostics Criteria. Collection method: clinical testing. Allele origin: germline.

NM_001378452.1(ITPR1):c.3916G>A (p.Val1306Ile)

Gene: ITPR1 (inositol 1,4,5-trisphosphate receptor type 1; plus strand). Cytogenetic location: 3p26.1.
Variant type: single nucleotide variant.
Coding change: c.3916G>A on transcript NM_001378452.1 (MANE Select); coding-DNA position 3916, G replaced by A.
Protein change: p.Val1306Ile; replaces valine 1306 with isoleucine.
Molecular consequence: missense variant.
Genome position (GRCh38, 1-based): chr3:4,691,231, G>A. VCF-style: chr3-4691231-G-A. GRCh37 (hg19) VCF-style: chr3-4732915-G-A.
Other names: c.3889G>A, p.Val1297Ile (NM_001099952.4); c.3871G>A, p.Val1291Ile (NM_001168272.2); c.3844G>A, p.Val1282Ile (NM_002222.7); c.3844G>A (NM_002222.5); short protein forms V1291I, V1297I, V1282I, V1306I.
Identifiers: ClinVar variation 447587 (VCV000447587.5), dbSNP rs187604016, ClinGen allele CA2231842.